The following is an entry in ClinVar:

NM_020320.5(RARS2):c.878+94C>T

Gene: RARS2 (arginyl-tRNA synthetase 2, mitochondrial; minus strand). Cytogenetic location: 6q15.
Variant type: single nucleotide variant.
Coding change: c.878+94C>T on transcript NM_020320.5 (MANE Select); 94 bases into the intron after coding-DNA position 878, C replaced by T.
Molecular consequence: intron variant.
Genome position (GRCh38, 1-based): chr6:87,529,448, G>A on the plus strand (C>T on the coding strand, the complement: RARS2 is on the minus strand). VCF-style: chr6-87529448-G-A. GRCh37 (hg19) VCF-style: chr6-88239166-G-A.
Other names: c.878+94C>T (NM_001350505.2); c.353+94C>T (NM_001350509.2, NM_001318785.2, NM_001350506.2 and 4 more transcripts).
Identifiers: ClinVar variation 668614 (VCV000668614.2), dbSNP rs183774123, ClinGen allele CA142846688.

ClinVar aggregate classification (germline): Likely benign. Review status: criteria provided, multiple submitters, no conflicts (2 of 4 stars). 2 submissions from 2 submitters: Likely benign (2). Last evaluated 2018-06-14.

Allele frequency attached by ClinVar (database versions not stated): 1000 Genomes Project 30x 0.00531; 1000 Genomes Project 0.00559; gnomAD 0.00561 and 0.00589; TOPMed 0.00577; gnomAD exomes 0.00800.
gnomAD v4.1: 6,426 of 842,220 alleles (0.76%); highest among the groups gnomAD compares: South Asian, 1.5%; 53 homozygotes.

Submissions (2):

GeneDx
Classification: Likely benign. Last evaluated: 2018-06-14. Review status: criteria provided, single submitter. Criteria: GeneDx Variant Classification (06012015). Collection method: clinical testing. Allele origin: germline. Affected: yes.
Comment: This variant is considered likely benign or benign based on one or more of the following criteria: it is a conservative change, it occurs at a poorly conserved position in the protein, it is predicted to be benign by multiple in silico algorithms, and/or has population frequency not consistent with disease.

Breakthrough Genomics
Classification: Likely benign. Review status: criteria provided, single submitter. Criteria: ACMG Guidelines, 2015. Collection method: not provided. Allele origin: germline. Inheritance: Autosomal recessive inheritance. Affected: yes.